The following is an entry in ClinVar:

NM_025137.4(SPG11):c.5528del (p.Phe1843fs)

Gene: SPG11 (SPG11 vesicle trafficking associated, spatacsin; minus strand). Cytogenetic location: 15q21.1.
Variant type: Deletion.
Coding change: c.5528del on transcript NM_025137.4 (MANE Select); coding-DNA position 5528, one base deleted (T; older notation c.5528delT).
Protein change: p.Phe1843fs; shifts the reading frame from phenylalanine 1843.
Molecular consequence: frameshift variant.
Genome position (GRCh38, 1-based): chr15:44,584,152, A deleted on the plus strand (T on the coding strand, the reverse complement: SPG11 is on the minus strand); the first of 2 consecutive A bases (chr15:44,584,152-44,584,153); deleting either gives the same sequence. VCF-style (leftmost placement, unchanged base first): chr15-44584151-GA-G. GRCh37 (hg19) VCF-style: chr15-44876349-GA-G.
Other names: p.Phe1843SerfsTer7; c.5528del, p.Phe1843fs (NM_001160227.2); c.5384del, p.Phe1795fs (NM_001411132.1); short protein forms F1795fs, F1843fs.
Identifiers: ClinVar variation 2446054 (VCV002446054.2), dbSNP rs2505291205, ClinGen allele CA2580089458.

ClinVar aggregate classification (germline): Pathogenic (1 of 4 stars; one submission).

Conditions:
Hereditary spastic paraplegia 11. Also called: SPASTIC PARAPLEGIA, AUTOSOMAL RECESSIVE, COMPLICATED, WITH THIN CORPUS CALLOSUM; SPASTIC PARAPLEGIA, AUTOSOMAL RECESSIVE, WITH MENTAL IMPAIRMENT AND THIN CORPUS CALLOSUM; Nakamura Osame syndrome; Autosomal recessive hereditary spastic paraplegia, mental impairment, and thin corpus callosum; Spastic paraplegia, mental retardation and thin corpus callosum; Spastic Paraplegia 11. Identifiers: Orphanet 2822, MedGen C1858479, MONDO:0011445, OMIM 604360.

Submission:

Foundation for Research in Genetics and Endocrinology, FRIGE's Institute of Human Genetics
Classification: Pathogenic for Hereditary spastic paraplegia 11. Last evaluated: 2020-12-18. Review status: criteria provided, single submitter. Criteria: ACMG Guidelines, 2015. Collection method: clinical testing. Allele origin: germline. Inheritance: Autosomal recessive inheritance. Affected: yes. Observed: 1 compound heterozygote.
Comment: A heterozygous single base pair deletion in exon 30 of the SPG11 gene that results in a frameshift and premature truncation of the protein 7 amino acids downstream to codon 1843 was detected. The observed variant c.5528del (p.Phe1843SerfsTer7) has not been reported in the 1000 genomes and ExAC databases. The reference region is conserved across species. SPG11 gene is predicted to be intolerant to loss of function variants based on the gnomAD database. In summary, the variant meets our criteria to be classified as pathogenic.